The following is an entry in ClinVar:

ClinVar aggregate classification (germline): Likely benign (1 of 4 stars; one submission).

Submission:

CeGaT Center for Human Genetics Tuebingen
Classification: Likely benign. Last evaluated: 2024-09-01. Review status: criteria provided, single submitter. Criteria: CeGaT Center For Human Genetics Tuebingen Variant Classification Criteria Version 2. Collection method: clinical testing. Allele origin: germline. Affected: yes. Observed: 1 variant allele.
Comment: MINK1: PM2:Supporting, BP4, BP7

NM_153827.5(MINK1):c.186G>A (p.Glu62=)

Gene: MINK1 (misshapen like kinase 1; plus strand). Cytogenetic location: 17p13.2.
Variant type: single nucleotide variant.
Coding change: c.186G>A on transcript NM_153827.5 (MANE Select); coding-DNA position 186, G replaced by A.
Protein change: p.Glu62=; no amino-acid change (glutamic acid 62 retained).
Molecular consequence: synonymous variant.
Genome position (GRCh38, 1-based): chr17:4,881,137, G>A. VCF-style: chr17-4881137-G-A. GRCh37 (hg19) VCF-style: chr17-4784432-G-A.
Other names: c.186G>A, p.Glu62= (NM_001024937.4, NM_015716.5, NM_170663.5); c.21G>A, p.Glu7= (NM_001321236.2).
Identifiers: ClinVar variation 3389637 (VCV003389637.14).